The following is an entry in ClinVar:

NM_000273.3(GPR143):c.98G>T (p.Cys33Phe)

Gene: GPR143 (G protein-coupled receptor 143; minus strand). Cytogenetic location: Xp22.2.
Variant type: single nucleotide variant.
Coding change: c.98G>T on transcript NM_000273.3 (MANE Select); coding-DNA position 98, G replaced by T.
Protein change: p.Cys33Phe; replaces cysteine 33 with phenylalanine.
Molecular consequence: missense variant.
Genome position (GRCh38, 1-based): chrX:9,765,720, C>A on the plus strand (G>T on the coding strand, the complement: GPR143 is on the minus strand). VCF-style: chrX-9765720-C-A. GRCh37 (hg19) VCF-style: chrX-9733760-C-A.
Other names: short protein forms C33F.
Identifiers: ClinVar variation 2012512 (VCV002012512.4), dbSNP rs2518642319, ClinGen allele CA412000756.

ClinVar aggregate classification (germline): Uncertain significance (1 of 4 stars; one submission).

Submission:

Labcorp Genetics (formerly Invitae), Labcorp
Classification: Uncertain significance. Last evaluated: 2022-06-30. Review status: criteria provided, single submitter. Criteria: Invitae Variant Classification Sherloc (09022015). Collection method: clinical testing. Allele origin: germline.
Comment: In summary, the available evidence is currently insufficient to determine the role of this variant in disease. Therefore, it has been classified as a Variant of Uncertain Significance. Algorithms developed to predict the effect of missense changes on protein structure and function are either unavailable or do not agree on the potential impact of this missense change (SIFT: "Deleterious"; PolyPhen-2: "Probably Damaging"; Align-GVGD: "Class C0"). This variant has not been reported in the literature in individuals affected with GPR143-related conditions. This variant is not present in population databases (gnomAD no frequency). This sequence change replaces cysteine, which is neutral and slightly polar, with phenylalanine, which is neutral and non-polar, at codon 33 of the GPR143 protein (p.Cys33Phe).